The following is an entry in ClinVar:

ClinVar aggregate classification (germline): Uncertain significance. Review status: criteria provided, multiple submitters, no conflicts (2 of 4 stars). 3 submissions from 3 submitters: Uncertain significance (3). Last evaluated 2025-04-07.

Conditions:
Hereditary cancer-predisposing syndrome. Also called: Tumor predisposition; Hereditary neoplastic syndrome; Neoplastic Syndromes, Hereditary; Hereditary Cancer Syndrome. Identifiers: Orphanet 140162, MedGen C0027672, MeSH D009386, MONDO:0015356.
Ataxia-telangiectasia syndrome (AT). Also called: Cerebello-oculocutaneous telangiectasia; Immunodeficiency with ataxia telangiectasia; LOUIS-BAR SYNDROME; ATAXIA-TELANGIECTASIA, COMPLEMENTATION GROUP A; ATAXIA-TELANGIECTASIA, FRESNO VARIANT; Ataxia-telangiectasia, complementation group D. Identifiers: Orphanet 100, MedGen C0004135, MONDO:0008840, OMIM 208900.

Allele frequency attached by ClinVar (database versions not stated): gnomAD 0.00001; 1000 Genomes Project 30x 0.00016; 1000 Genomes Project 0.00020.
gnomAD v4.1: 1 of 1,613,976 alleles (0.000062%); highest among the groups gnomAD compares: Admixed American, 0.0017%; no homozygotes.

Submissions (3):

Ambry Genetics
Classification: Uncertain significance for Hereditary cancer-predisposing syndrome. Last evaluated: 2025-04-07. Review status: criteria provided, single submitter. Criteria: Ambry Variant Classification Scheme 2023. Collection method: clinical testing. Allele origin: germline.
Comment: The p.H1865N variant (also known as c.5593C>A), located in coding exon 36 of the ATM gene, results from a C to A substitution at nucleotide position 5593. The histidine at codon 1865 is replaced by asparagine, an amino acid with similar properties. This amino acid position is well conserved in available vertebrate species. In addition, this alteration is predicted to be tolerated by in silico analysis. Based on the available evidence, the clinical significance of this variant remains unclear.

Labcorp Genetics (formerly Invitae), Labcorp
Classification: Uncertain significance for Ataxia-telangiectasia syndrome. Last evaluated: 2022-02-20. Review status: criteria provided, single submitter. Criteria: Invitae Variant Classification Sherloc (09022015). Collection method: clinical testing. Allele origin: germline.
Comment: In summary, the available evidence is currently insufficient to determine the role of this variant in disease. Therefore, it has been classified as a Variant of Uncertain Significance. This sequence change replaces histidine, which is basic and polar, with asparagine, which is neutral and polar, at codon 1865 of the ATM protein (p.His1865Asn). This variant is not present in population databases (gnomAD no frequency). This variant has not been reported in the literature in individuals affected with ATM-related conditions. Advanced modeling of protein sequence and biophysical properties (such as structural, functional, and spatial information, amino acid conservation, physicochemical variation, residue mobility, and thermodynamic stability) performed at Invitae indicates that this missense variant is not expected to disrupt ATM protein function.

Sema4
Classification: Uncertain significance for Hereditary cancer-predisposing syndrome. Last evaluated: 2021-11-27. Review status: criteria provided, single submitter. Criteria: Sema4 Curation Guidelines. Collection method: curation. Allele origin: germline.
Comment: The ATM c.5593C>A (p.H1865N) variant has not been reported in the literature to our knowledge. It was not observed in the large and broad cohorts of the Genome Aggregation Database. The variant has not been reported in ClinVar. In silico tools suggest the impact of the variant on protein function is benign, though these predictions have not been confirmed by functional studies. The evidence is insufficient to meet ACMG/AMP criteria for classifying the variant as benign or pathogenic. Thus, the clinical significance of this variant is currently uncertain.

NM_000051.4(ATM):c.5593C>A (p.His1865Asn)

Gene: ATM (ATM serine/threonine kinase; plus strand). Cytogenetic location: 11q22.3.
Variant type: single nucleotide variant.
Coding change: c.5593C>A on transcript NM_000051.4 (MANE Select); coding-DNA position 5593, C replaced by A.
Protein change: p.His1865Asn; replaces histidine 1865 with asparagine.
Molecular consequence: missense variant.
Genome position (GRCh38, 1-based): chr11:108,304,771, C>A. VCF-style: chr11-108304771-C-A. GRCh37 (hg19) VCF-style: chr11-108175498-C-A.
Other names: c.5593C>A, p.His1865Asn (NM_001351834.2); short protein forms H1865N.
Identifiers: ClinVar variation 1380210 (VCV001380210.9), dbSNP rs567908537, ClinGen allele CA228389817.